The following is an entry in ClinVar:

ClinVar aggregate classification (germline): Uncertain significance. Review status: criteria provided, multiple submitters, no conflicts (2 of 4 stars). 2 submissions from 2 submitters: Uncertain significance (2). Last evaluated 2026-07-28.

Conditions:
Catecholaminergic polymorphic ventricular tachycardia 1. Also called: VENTRICULAR TACHYCARDIA, STRESS-INDUCED POLYMORPHIC 1; RYR2-Related Catecholaminergic Polymorphic Ventricular Tachycardia; VENTRICULAR TACHYCARDIA, CATECHOLAMINERGIC POLYMORPHIC, 1, WITH OR WITHOUT ATRIAL DYSFUNCTION AND/OR DILATED CARDIOMYOPATHY. Identifiers: Orphanet 3286, MedGen C1631597, MONDO:0011484, OMIM 604772.
Cardiovascular phenotype. Identifiers: MedGen CN230736.

Submissions (2):

Ambry Genetics
Classification: Uncertain significance for Cardiovascular phenotype. Last evaluated: 2026-07-28. Review status: criteria provided, single submitter. Criteria: Ambry Variant Classification Scheme 2023. Collection method: clinical testing. Allele origin: germline.
Comment: The p.P821A variant (also known as c.2461C>G), located in coding exon 22 of the RYR2 gene, results from a C to G substitution at nucleotide position 2461. The proline at codon 821 is replaced by alanine, an amino acid with highly similar properties. This amino acid position is conserved. In addition, the in silico prediction for this alteration is inconclusive. Based on the available evidence, the clinical significance of this variant remains unclear.

Labcorp Genetics (formerly Invitae), Labcorp
Classification: Uncertain significance for Catecholaminergic polymorphic ventricular tachycardia 1. Last evaluated: 2024-06-06. Review status: criteria provided, single submitter. Criteria: Invitae Variant Classification Sherloc (09022015). Collection method: clinical testing. Allele origin: germline.
Comment: This sequence change replaces proline, which is neutral and non-polar, with alanine, which is neutral and non-polar, at codon 821 of the RYR2 protein (p.Pro821Ala). This variant is not present in population databases (gnomAD no frequency). This variant has not been reported in the literature in individuals affected with RYR2-related conditions. Advanced modeling of protein sequence and biophysical properties (such as structural, functional, and spatial information, amino acid conservation, physicochemical variation, residue mobility, and thermodynamic stability) performed at Invitae indicates that this missense variant is expected to disrupt RYR2 protein function with a positive predictive value of 95%. In summary, the available evidence is currently insufficient to determine the role of this variant in disease. Therefore, it has been classified as a Variant of Uncertain Significance.

NM_001035.3(RYR2):c.2461C>G (p.Pro821Ala)

Gene: RYR2 (ryanodine receptor 2; plus strand). Cytogenetic location: 1q43.
Variant type: single nucleotide variant.
Coding change: c.2461C>G on transcript NM_001035.3 (MANE Select); coding-DNA position 2461, C replaced by G.
Protein change: p.Pro821Ala; replaces proline 821 with alanine.
Molecular consequence: missense variant.
Genome position (GRCh38, 1-based): chr1:237,503,353, C>G. VCF-style: chr1-237503353-C-G. GRCh37 (hg19) VCF-style: chr1-237666653-C-G.
Other names: c.2461C>G (NM_001035.2); short protein forms P821A.
Identifiers: ClinVar variation 3675167 (VCV003675167.3).